The following is an entry in ClinVar:

ClinVar aggregate classification (germline): Uncertain significance. Review status: criteria provided, multiple submitters, no conflicts (2 of 4 stars). 4 submissions from 4 submitters: Uncertain significance (3). 1 of the submissions does not count toward it. Last evaluated 2024-04-29.

Conditions:
Dyskeratosis congenita, autosomal recessive 5 (DKCB5). Identifiers: MedGen C3554656, MONDO:0014076, OMIM 615190.
Pulmonary fibrosis and/or bone marrow failure, Telomere-related, 3. Also called: PULMONARY FIBROSIS AND/OR BONE MARROW FAILURE SYNDROME, TELOMERE-RELATED, 3. Identifiers: Orphanet 2032, MedGen C4225346, MONDO:0014613, OMIM 616373.
Microcephaly. Also called: Microcephaly (disease). Identifiers: MedGen C4551563, MONDO:0001149, HP:0000252.
Inborn genetic diseases. Identifiers: MedGen C0950123, MeSH D030342.

Allele frequency attached by ClinVar (database versions not stated): TOPMed 0.00001; gnomAD exomes 0.00003; ExAC 0.00006; gnomAD 0.00001.

Submissions (4):

Labcorp Genetics (formerly Invitae), Labcorp
Classification: Uncertain significance for Dyskeratosis congenita, autosomal recessive 5; Pulmonary fibrosis and/or bone marrow failure, Telomere-related, 3. Last evaluated: 2024-04-29. Review status: criteria provided, single submitter. Criteria: Invitae Variant Classification Sherloc (09022015). Collection method: clinical testing. Allele origin: germline.
Comment: This sequence change replaces cysteine, which is neutral and slightly polar, with tyrosine, which is neutral and polar, at codon 1076 of the RTEL1 protein (p.Cys1076Tyr). This variant is present in population databases (rs781481182, gnomAD 0.04%). This variant has not been reported in the literature in individuals affected with RTEL1-related conditions. ClinVar contains an entry for this variant (Variation ID: 813637). Algorithms developed to predict the effect of missense changes on protein structure and function output the following: SIFT: "Not Available"; PolyPhen-2: "Benign"; Align-GVGD: "Not Available". The tyrosine amino acid residue is found in multiple mammalian species, which suggests that this missense change does not adversely affect protein function. In summary, the available evidence is currently insufficient to determine the role of this variant in disease. Therefore, it has been classified as a Variant of Uncertain Significance.

Fulgent Genetics
Classification: Uncertain significance for Dyskeratosis congenita, autosomal recessive 5; Pulmonary fibrosis and/or bone marrow failure, Telomere-related, 3. Last evaluated: 2024-02-28. Review status: criteria provided, single submitter. Criteria: ACMG Guidelines, 2015. Collection method: clinical testing. Allele origin: germline.

Ambry Genetics
Classification: Uncertain significance for Inborn genetic diseases. Last evaluated: 2022-05-13. Review status: criteria provided, single submitter. Criteria: Ambry Variant Classification Scheme 2023. Collection method: clinical testing. Allele origin: germline.

Department of Pediatrics, Samsung Medical Center, Samsung Medical Center
Classification: Uncertain significance for Microcephaly. Review status: no assertion criteria provided. Criteria: ACMG Guidelines, 2015. Collection method: research. Allele origin: germline. Affected: yes. Not counted in ClinVar's aggregate classification.

NM_001283009.2(RTEL1):c.3227G>A (p.Cys1076Tyr)

Genes: RTEL1 (regulator of telomere elongation helicase 1; plus strand), RTEL1-TNFRSF6B (RTEL1-TNFRSF6B readthrough (NMD candidate); plus strand). Cytogenetic location: 20q13.33.
Variant type: single nucleotide variant.
Coding change: c.3227G>A on transcript NM_001283009.2 (MANE Select); coding-DNA position 3227, G replaced by A.
Protein change: p.Cys1076Tyr; replaces cysteine 1076 with tyrosine.
Molecular consequence: missense variant. On other transcripts: non-coding transcript variant (1).
Genome position (GRCh38, 1-based): chr20:63,694,858, G>A. VCF-style: chr20-63694858-G-A. GRCh37 (hg19) VCF-style: chr20-62326211-G-A.
Other names: c.2558G>A, p.Cys853Tyr (NM_001283010.1); c.3227G>A, p.Cys1076Tyr (NM_016434.4); c.3299G>A, p.Cys1100Tyr (NM_032957.5); short protein forms C1100Y, C853Y, C1076Y.
Identifiers: ClinVar variation 813637 (VCV000813637.7), dbSNP rs781481182, ClinGen allele CA9965916.